The following is an entry in ClinVar:

NM_002693.3(POLG):c.2716C>G (p.His906Asp)

Gene: POLG (DNA polymerase gamma, catalytic subunit; minus strand). Cytogenetic location: 15q26.1.
Variant type: single nucleotide variant.
Coding change: c.2716C>G on transcript NM_002693.3 (MANE Select); coding-DNA position 2716, C replaced by G.
Protein change: p.His906Asp; replaces histidine 906 with aspartic acid.
Molecular consequence: missense variant.
Genome position (GRCh38, 1-based): chr15:89,321,143, G>C on the plus strand (C>G on the coding strand, the complement: POLG is on the minus strand). VCF-style: chr15-89321143-G-C. GRCh37 (hg19) VCF-style: chr15-89864374-G-C.
Other names: c.2716C>G, p.His906Asp (NM_001126131.2); short protein forms H906D.
Identifiers: ClinVar variation 3675835 (VCV003675835.2).

ClinVar aggregate classification (germline): Uncertain significance (1 of 4 stars; one submission).

Conditions:
Progressive sclerosing poliodystrophy (MTDPS4A). Also called: ALPERS PROGRESSIVE INFANTILE POLIODYSTROPHY; NEURONAL DEGENERATION OF CHILDHOOD WITH LIVER DISEASE, PROGRESSIVE; Alpers Syndrome; ALPERS DIFFUSE DEGENERATION OF CEREBRAL GRAY MATTER WITH HEPATIC CIRRHOSIS; Alpers-Huttenlocher Syndrome; Mitochondrial DNA depletion syndrome 4A (Alpers type). Identifiers: Orphanet 726, MedGen C0205710, MONDO:0008758, OMIM 203700.

Submission:

Labcorp Genetics (formerly Invitae), Labcorp
Classification: Uncertain significance for Progressive sclerosing poliodystrophy. Last evaluated: 2024-07-30. Review status: criteria provided, single submitter. Criteria: Invitae Variant Classification Sherloc (09022015). Collection method: clinical testing. Allele origin: germline.
Comment: This sequence change replaces histidine, which is basic and polar, with aspartic acid, which is acidic and polar, at codon 906 of the POLG protein (p.His906Asp). This variant is not present in population databases (gnomAD no frequency). This variant has not been reported in the literature in individuals affected with POLG-related conditions. Advanced modeling of protein sequence and biophysical properties (such as structural, functional, and spatial information, amino acid conservation, physicochemical variation, residue mobility, and thermodynamic stability) performed at Invitae indicates that this missense variant is expected to disrupt POLG protein function with a positive predictive value of 95%. In summary, the available evidence is currently insufficient to determine the role of this variant in disease. Therefore, it has been classified as a Variant of Uncertain Significance.